The following is an entry in ClinVar:

NM_015346.4(ZFYVE26):c.4114_4115insGAAGGGC (p.Ala1372fs)

Gene: ZFYVE26 (zinc finger FYVE-type containing 26; minus strand). Cytogenetic location: 14q24.1.
Variant type: Insertion.
Coding change: c.4114_4115insGAAGGGC on transcript NM_015346.4 (MANE Select); coding-DNA positions 4114 to 4115, GAAGGGC inserted.
Protein change: p.Ala1372fs; shifts the reading frame from alanine 1372.
Molecular consequence: frameshift variant.
Genome position: GRCh38 VCF-style: chr14-67783037-G-GGCCCTTC. GRCh37 (hg19) VCF-style: chr14-68249754-G-GGCCCTTC.
Other names: short protein forms A1372fs.
Identifiers: ClinVar variation 527985 (VCV000527985.11), dbSNP rs950356390, ClinGen allele CA262848755.

ClinVar aggregate classification (germline): Pathogenic/Likely pathogenic. Review status: criteria provided, multiple submitters, no conflicts (2 of 4 stars). 4 submissions from 4 submitters: Pathogenic (3); Likely pathogenic (1). Last evaluated 2025-10-07.

Conditions:
Hereditary spastic paraplegia 15 (SPG15). Also called: SPASTIC PARAPLEGIA AND RETINAL DEGENERATION; KJELLIN SYNDROME; SPASTIC PARAPLEGIA 15, AUTOSOMAL RECESSIVE. Identifiers: Orphanet 100996, MedGen C1849128, MONDO:0010044, OMIM 270700.
Hereditary spastic paraplegia. Also called: Familial spastic paraparesis. Identifiers: Orphanet 685, MedGen C0037773, MONDO:0019064. Disease mechanism: loss of function.
Spastic paraplegia. Identifiers: MedGen C0037772, HP:0001258.

Allele frequency attached by ClinVar (database versions not stated): gnomAD 0.00001; gnomAD exomes below 0.00001; TOPMed 0.00001.

Submissions (4):

GeneDx
Classification: Pathogenic. Last evaluated: 2025-10-07. Review status: criteria provided, single submitter. Criteria: GeneDx Variant Classification Process June 2021. Collection method: clinical testing. Allele origin: germline.
Comment: Frameshift variant predicted to result in protein truncation or nonsense mediated decay in a gene for which loss of function is a known mechanism of disease; Not observed at significant frequency in large population cohorts (gnomAD); Has not been previously published as pathogenic or benign to our knowledge; This variant is associated with the following publications: (PMID: 19805727, 18394578)

Labcorp Genetics (formerly Invitae), Labcorp
Classification: Pathogenic for Spastic paraplegia. Last evaluated: 2023-09-08. Review status: criteria provided, single submitter. Criteria: Invitae Variant Classification Sherloc (09022015). Collection method: clinical testing. Allele origin: germline.
Comment: This variant is not present in population databases (gnomAD no frequency). This sequence change creates a premature translational stop signal (p.Ala1372Glyfs*46) in the ZFYVE26 gene. It is expected to result in an absent or disrupted protein product. Loss-of-function variants in ZFYVE26 are known to be pathogenic (PMID: 18394578, 19805727). For these reasons, this variant has been classified as Pathogenic. Algorithms developed to predict the effect of sequence changes on RNA splicing suggest that this variant may create or strengthen a splice site. ClinVar contains an entry for this variant (Variation ID: 527985). This premature translational stop signal has been observed in individual(s) with clinical features of ZFYVE26-related conditions (Invitae).

Genome Diagnostics Laboratory, The Hospital for Sick Children
Classification: Likely pathogenic for Hereditary spastic paraplegia. Last evaluated: 2017-03-01. Review status: criteria provided, single submitter. Criteria: ACMG Guidelines, 2015. Collection method: clinical testing. Allele origin: germline. Affected: yes.

Neuberg Centre For Genomic Medicine, NCGM
Classification: Pathogenic for Hereditary spastic paraplegia 15. Review status: criteria provided, single submitter. Criteria: ACMG Guidelines, 2015. Collection method: clinical testing. Allele origin: germline. Inheritance: Autosomal recessive inheritance. Affected: yes.
Comment: The frameshift insertion p.A1372Gfs*46 in ZFYVE26 (NM_015346.4) has been previously reported as Pathogenic in the ClinVar database. The p.A1372Gfs*46 variant is novel (not in any individuals) in gnomAD Exomes and is novel (not in any individuals) in 1000 Genomes. This variant is predicted to cause loss of normal protein function through protein truncation. Loss of function variants have been previously reported to be disease causing. For these reasons, this variant has been classified as Pathogenic.

Literature cited by the submitters: PubMed 18394578 (cited by Labcorp Genetics (formerly Invitae), Labcorp); PubMed 19805727 (cited by Labcorp Genetics (formerly Invitae), Labcorp).